The following is an entry in ClinVar:

ClinVar aggregate classification (germline): Uncertain significance. Review status: criteria provided, multiple submitters, no conflicts (2 of 4 stars). 2 submissions from 2 submitters: Uncertain significance (2). Last evaluated 2024-11-27.

Conditions:
Hereditary cancer-predisposing syndrome. Also called: Hereditary neoplastic syndrome; Neoplastic Syndromes, Hereditary; Hereditary Cancer Syndrome; Tumor predisposition. Identifiers: Orphanet 140162, MedGen C0027672, MeSH D009386, MONDO:0015356.
Familial melanoma. Also called: Hereditary melanoma; Hereditary cutaneous melanoma. Identifiers: Orphanet 618, MedGen C1512419, MONDO:0018961.

Allele frequency attached by ClinVar (database versions not stated): gnomAD exomes below 0.00001; TOPMed below 0.00001; gnomAD 0.00001.
gnomAD v4.1: 2 of 1,605,380 alleles (0.00012%); highest among the groups gnomAD compares: Non-Finnish European, 0.00017%; no homozygotes.

Submissions (2):

Labcorp Genetics (formerly Invitae), Labcorp
Classification: Uncertain significance for Familial melanoma. Last evaluated: 2024-11-27. Review status: criteria provided, single submitter. Criteria: Invitae Variant Classification Sherloc (09022015). Collection method: clinical testing. Allele origin: germline.
Comment: The CDKN2A gene encodes two different proteins, p16INK4a and p14ARF, which are translated from alternative transcripts with different open reading frames. Both transcripts have been analyzed. We report either the variant with the higher classification or default to the CDKN2A (p16INK4a) variant. This report therefore includes the details for the CDKN2A (p16INK4a) variant. This sequence change replaces alanine, which is neutral and non-polar, with threonine, which is neutral and polar, at codon 102 of the CDKN2A (p16INK4a) protein (p.Ala102Thr). This variant is present in population databases (rs35741010, gnomAD 0.001%). This missense change has been observed in individual(s) with multiple primary melanoma or sporadic melanoma (PMID: 16234564, 21462282). This variant is also known as c.347G>A (p.Gly116Asp) in the CDKN2A (p14ARF) transcript. ClinVar contains an entry for this variant (Variation ID: 463495). An algorithm developed to predict the effect of missense changes on protein structure and function (PolyPhen-2) suggests that this variant is likely to be disruptive. In summary, the available evidence is currently insufficient to determine the role of this variant in disease. Therefore, it has been classified as a Variant of Uncertain Significance.

Ambry Genetics
Classification: Uncertain significance for Hereditary cancer-predisposing syndrome. Last evaluated: 2023-05-24. Review status: criteria provided, single submitter. Criteria: Ambry Variant Classification Scheme 2023. Collection method: clinical testing. Allele origin: germline.
Comment: The p.A102T variant (also known as c.304G>A), located in coding exon 2 of the CDKN2A gene, results from a G to A substitution at nucleotide position 304. The alanine at codon 102 is replaced by threonine, an amino acid with similar properties.This alteration has been reported in individuals with multiple primary melanoma as well as presumed sporadic melanoma (Begg CB et al. J. Natl. Cancer Inst., 2005 Oct;97:1507-15; Orlow I et al. J. Invest. Dermatol., 2007 May;127:1234-43; Miller PJ et al. Hum. Mutat., 2011 Aug;32:900-11). This amino acid position is well conserved in available vertebrate species. In addition, this alteration is predicted to be deleterious by in silico analysis. Since supporting evidence is limited at this time, the clinical significance of this alteration remains unclear.

Literature cited by the submitters: PubMed 16234564 (cited by Labcorp Genetics (formerly Invitae), Labcorp and Ambry Genetics); PubMed 21462282 (cited by Labcorp Genetics (formerly Invitae), Labcorp and Ambry Genetics); PubMed 17218939 (cited by Ambry Genetics).

NM_000077.5(CDKN2A):c.304G>A (p.Ala102Thr)

Gene: CDKN2A (cyclin dependent kinase inhibitor 2A; minus strand). Cytogenetic location: 9p21.3.
Variant type: single nucleotide variant.
Coding change: c.304G>A on transcript NM_000077.5; coding-DNA position 304, G replaced by A.
Protein change: p.Ala102Thr; replaces alanine 102 with threonine.
Molecular consequence: missense variant (on NM_000077.6). On other transcripts: 3 prime UTR variant (1).
Genome position (GRCh38, 1-based): chr9:21,971,055, C>T on the plus strand (G>A on the coding strand, the complement: CDKN2A is on the minus strand). VCF-style: chr9-21971055-C-T. GRCh37 (hg19) VCF-style: chr9-21971054-C-T.
Other names: c.304G>A, p.Ala102Thr (NM_000077.6, NM_001195132.2); c.151G>A, p.Ala51Thr (NM_001363763.2); c.347G>A, p.Gly116Asp (NM_058195.4); c.*227G>A (NM_058197.5); short protein forms G116D, A102T, A51T.
Identifiers: ClinVar variation 463495 (VCV000463495.13), dbSNP rs35741010, ClinGen allele CA190730035.